The following is an entry in ClinVar:

ClinVar aggregate classification (germline): Likely benign. Review status: criteria provided, multiple submitters, no conflicts (2 of 4 stars). 4 submissions from 4 submitters: Likely benign (4). Last evaluated 2026-02-01.

Conditions:
OAS1-related disorder. Also called: OAS1-related condition.

Allele frequency attached by ClinVar (database versions not stated): ESP Exome Variant Server 0.00008; 1000 Genomes Project 30x 0.00016; 1000 Genomes Project 0.00020; gnomAD 0.00023 and 0.00024; TOPMed 0.00025; ExAC 0.00026; gnomAD exomes 0.00028 and 0.00030.
gnomAD v4.1: 454 of 1,614,142 alleles (0.028%); highest among the groups gnomAD compares: Middle Eastern, 0.93%; 3 homozygotes.

Submissions (4):

Labcorp Genetics (formerly Invitae), Labcorp
Classification: Likely benign. Last evaluated: 2026-02-01. Review status: criteria provided, single submitter. Criteria: Invitae Variant Classification Sherloc (09022015). Collection method: clinical testing. Allele origin: germline.

PreventionGenetics, part of Exact Sciences
Classification: Likely benign for OAS1-related condition. Last evaluated: 2025-10-21. Review status: criteria provided, single submitter. Criteria: ACMG Guidelines, 2015. Collection method: clinical testing. Allele origin: germline.
Comment: This variant is classified as likely benign based on ACMG/AMP sequence variant interpretation guidelines (Richards et al. 2015 PMID: 25741868, with internal and published modifications).

Blueprint Genetics
Classification: Likely benign. Last evaluated: 2024-10-24. Review status: criteria provided, single submitter. Criteria: ACMG Guidelines, 2015. Collection method: clinical testing. Allele origin: germline.

Breakthrough Genomics
Classification: Likely benign. Review status: criteria provided, single submitter. Criteria: ACMG Guidelines, 2015. Collection method: not provided. Allele origin: germline. Inheritance: Autosomal dominant inheritance. Affected: yes.

NM_016816.4(OAS1):c.906G>A (p.Ala302=)

Gene: OAS1 (2'-5'-oligoadenylate synthetase 1; plus strand). Cytogenetic location: 12q24.13.
Variant type: single nucleotide variant.
Coding change: c.906G>A on transcript NM_016816.4 (MANE Select); coding-DNA position 906, G replaced by A.
Protein change: p.Ala302=; no amino-acid change (alanine 302 retained).
Molecular consequence: synonymous variant.
Genome position (GRCh38, 1-based): chr12:112,917,568, G>A. VCF-style: chr12-112917568-G-A. GRCh37 (hg19) VCF-style: chr12-113355373-G-A.
Other names: c.906G>A, p.Ala302= (NM_001032409.3, NM_001320151.2, NM_002534.4); c.906G>A (NM_001032409.2).
Identifiers: ClinVar variation 1111494 (VCV001111494.12), dbSNP rs377265214, ClinGen allele CA6799938.